The following is an entry in ClinVar:

ClinVar aggregate classification (germline): Uncertain significance. Review status: criteria provided, multiple submitters, no conflicts (2 of 4 stars). 2 submissions from 2 submitters: Uncertain significance (2). Last evaluated 2025-10-21.

Conditions:
Inborn genetic diseases. Identifiers: MedGen C0950123, MeSH D030342.

Allele frequency attached by ClinVar (database versions not stated): gnomAD exomes below 0.00001; gnomAD 0.00003; TOPMed 0.00003.
gnomAD v4.1: 11 of 1,613,256 alleles (0.00068%); highest among the groups gnomAD compares: Admixed American, 0.017%; no homozygotes.

Submissions (2):

Labcorp Genetics (formerly Invitae), Labcorp
Classification: Uncertain significance. Last evaluated: 2025-10-21. Review status: criteria provided, single submitter. Criteria: Invitae Variant Classification Sherloc (09022015). Collection method: clinical testing. Allele origin: germline.
Comment: This sequence change replaces serine, which is neutral and polar, with tyrosine, which is neutral and polar, at codon 69 of the PODXL protein (p.Ser69Tyr). This variant is present in population databases (no rsID available, gnomAD 0.009%). This variant has not been reported in the literature in individuals affected with PODXL-related conditions. ClinVar contains an entry for this variant (Variation ID: 2187497). An algorithm developed to predict the effect of missense changes on protein structure and function (PolyPhen-2) suggests that this variant is likely to be disruptive. In summary, the available evidence is currently insufficient to determine the role of this variant in disease. Therefore, it has been classified as a Variant of Uncertain Significance.

Ambry Genetics
Classification: Uncertain significance for Inborn genetic diseases. Last evaluated: 2025-07-02. Review status: criteria provided, single submitter. Criteria: Ambry Variant Classification Scheme 2023. Collection method: clinical testing. Allele origin: germline.

NM_001018111.3(PODXL):c.206C>A (p.Ser69Tyr)

Gene: PODXL (podocalyxin like; minus strand). Cytogenetic location: 7q32.3.
Variant type: single nucleotide variant.
Coding change: c.206C>A on transcript NM_001018111.3 (MANE Select); coding-DNA position 206, C replaced by A.
Protein change: p.Ser69Tyr; replaces serine 69 with tyrosine.
Molecular consequence: missense variant.
Genome position (GRCh38, 1-based): chr7:131,511,328, G>T on the plus strand (C>A on the coding strand, the complement: PODXL is on the minus strand). VCF-style: chr7-131511328-G-T. GRCh37 (hg19) VCF-style: chr7-131196087-G-T.
Other names: c.206C>A (NM_001018111.2); c.206C>A, p.Ser69Tyr (NM_005397.4); short protein forms S69Y.
Identifiers: ClinVar variation 2187497 (VCV002187497.5), dbSNP rs987189170, ClinGen allele CA166927262.